The following is an entry in ClinVar:

ClinVar aggregate classification (germline): Likely pathogenic (1 of 4 stars; one submission).

Conditions:
Mucopolysaccharidosis, MPS-II (MPS2). Also called: Mucopolysaccharidosis type 2; IDS deficiency; Sulfoiduronate sulfatase deficiency; SIDS deficiency; Attenuated MPS (subtype; formerly known as mild MPS II); Severe MPS II. Identifiers: Orphanet 580, Orphanet 79388, MedGen C0026705, MONDO:0010674, OMIM 309900.

Submission:

Myriad Genetics, Inc.
Classification: Likely pathogenic for Mucopolysaccharidosis, MPS-II. Last evaluated: 2022-02-17. Review status: criteria provided, single submitter. Criteria: Myriad Women's Health Autosomal Recessive and X-Linked Classification Criteria (2021). Collection method: clinical testing. Allele origin: unknown.
Comment: NM_000202.5(IDS):c.671_672delGG(G224Vfs*3) is expected to be pathogenic in the context of mucopolysaccharidosis type II. This variant is predicted to lead to an abnormal or absent protein product due to the creation of a premature termination codon in IDS, a gene where loss-of-function variants are known to be pathogenic. Please note: this variant was assessed in the context of healthy population screening.

NM_000202.8(IDS):c.671_672del (p.Gly224fs)

Genes: IDS (iduronate 2-sulfatase; minus strand), LOC106050102 (IDS recombination region; plus strand). Cytogenetic location: Xq28.
Variant type: Deletion.
Coding change: c.671_672del on transcript NM_000202.8 (MANE Select); coding-DNA positions 671 to 672, 2 bases deleted (GG; older notation c.671_672delGG).
Protein change: p.Gly224fs; shifts the reading frame from glycine 224.
Molecular consequence: frameshift variant. On other transcripts: non-coding transcript variant (1).
Genome position (GRCh38, 1-based): chrX:149,498,143-149,498,144, CC deleted on the plus strand (GG on the coding strand, the reverse complement: IDS is on the minus strand); deleting any 2 consecutive bases within chrX:149,498,143-149,498,145 gives the same sequence; the c. name uses the placement nearest the transcript's 3' end. VCF-style (leftmost placement, unchanged base first): chrX-149498142-ACC-A. GRCh37 (hg19) VCF-style: chrX-148579673-ACC-A.
Other names: c.401_402del, p.Gly134fs (NM_001166550.4); c.671_672del, p.Gly224fs (NM_006123.5); short protein forms G134fs, G224fs.
Identifiers: ClinVar variation 1724443 (VCV001724443.2), dbSNP rs2520862741, ClinGen allele CA2580101620.
Genomic context (GRCh38, chrX:149,498,142, plus strand): 5'-GATCAGCCCTCAACCAGCTCTTCACCTTGGGGTATCTGAAGGGGATGTGTGGCTTATGAT[ACC>A]CAACGGCCAGGAAGAAAGGACTGGCTGACGTTTTCATCTTTTCCAACAACTGTATGGCTT-3'